The following is an entry in ClinVar:

NM_007055.4(POLR3A):c.*1862G>A

Gene: POLR3A (RNA polymerase III subunit A; minus strand). Cytogenetic location: 10q22.3.
Variant type: single nucleotide variant.
Coding change: c.*1862G>A on transcript NM_007055.4 (MANE Select); 1862 bases downstream of the stop codon, G replaced by A.
Molecular consequence: 3 prime UTR variant.
Genome position (GRCh38, 1-based): chr10:77,975,616, C>T on the plus strand (G>A on the coding strand, the complement: POLR3A is on the minus strand). VCF-style: chr10-77975616-C-T. GRCh37 (hg19) VCF-style: chr10-79735374-C-T.
Identifiers: ClinVar variation 300994 (VCV000300994.5), dbSNP rs12572507, ClinGen allele CA10636039.
Genomic context (GRCh38, chr10:77,975,616, plus strand): 5'-TCTCACACAGACTCCAGACCCTGCAGCGCCCAACTGAGTACTCACTCACGCAAGGTGAGG[C>T]TCCTTGGCGGTGCCATCTTTATTATTCCCAGCCACAAGTTATAGCCACAACCTCTCTTCC-3'

ClinVar aggregate classification (germline): Benign (1 of 4 stars; one submission).

Conditions:
Leukodystrophy, hypomyelinating, 7, with or without oligodontia and/or hypogonadotropic hypogonadism (HLD7). Also called: LEUKOENCEPHALOPATHY, HYPOMYELINATING, WITH ATAXIA AND DELAYED DENTITION; ATAXIA, DELAYED DENTITION, AND HYPOMYELINATION; LEUKODYSTROPHY, HYPOMYELINATING, 7, WITH OLIGODONTIA; LEUKODYSTROPHY, HYPOMYELINATING, 7, WITH OLIGODONTIA AND HYPOGONADOTROPIC HYPOGONADISM; LEUKODYSTROPHY, HYPOMYELINATING, 7, WITHOUT OLIGODONTIA OR HYPOGONADOTROPIC HYPOGONADISM; Ataxia, Delayed Dentition and Hypomyelination (ADDH). Identifiers: Orphanet 137639, Orphanet 447893, Orphanet 447896, Orphanet 77295, Orphanet 88637, MedGen CN034185, MONDO:0011897, OMIM 607694.

Allele frequency attached by ClinVar (database versions not stated): gnomAD exomes 0.01042; gnomAD 0.03410 and 0.04046; TOPMed 0.04141; 1000 Genomes Project 30x 0.09884; 1000 Genomes Project 0.10144.
gnomAD v4.1: 6,181 of 152,454 alleles (4.1%); highest among the groups gnomAD compares: East Asian, 23%; 295 homozygotes.

Submission:

Illumina Laboratory Services, Illumina
Classification: Benign for Leukodystrophy, hypomyelinating, 7, with or without oligodontia and/or hypogonadotropic hypogonadism. Last evaluated: 2018-01-13. Review status: criteria provided, single submitter. Criteria: ICSL Variant Classification Criteria 13 December 2019. Collection method: clinical testing. Allele origin: germline.
Comment: This variant was observed in the ICSL laboratory as part of a predisposition screen in an ostensibly healthy population. It had not been previously curated by ICSL or reported in the Human Gene Mutation Database (HGMD: prior to June 1st, 2018), and was therefore a candidate for classification through an automated scoring system. Utilizing variant allele frequency, disease prevalence and penetrance estimates, and inheritance mode, an automated score was calculated to assess if this variant is too frequent to cause the disease. Based on the score and internal cut-off values, a variant classified as benign is not then subjected to further curation. The score for this variant resulted in a classification of benign for this disease.